The following is an entry in ClinVar:

ClinVar aggregate classification (germline): Uncertain significance (1 of 4 stars; one submission).

Conditions:
Cardiovascular phenotype. Identifiers: MedGen CN230736.

Submission:

Ambry Genetics
Classification: Uncertain significance for Cardiovascular phenotype. Last evaluated: 2024-02-22. Review status: criteria provided, single submitter. Criteria: Ambry Variant Classification Scheme 2023. Collection method: clinical testing. Allele origin: germline.
Comment: The p.A350P variant (also known as c.1048G>C), located in coding exon 5 of the ALPK3 gene, results from a G to C substitution at nucleotide position 1048. The alanine at codon 350 is replaced by proline, an amino acid with highly similar properties. This amino acid position is conserved. In addition, the in silico prediction for this alteration is inconclusive. Based on the available evidence, the clinical significance of this alteration remains unclear.

NM_020778.5(ALPK3):c.442G>C (p.Ala148Pro)

Gene: ALPK3 (alpha kinase 3; plus strand). Cytogenetic location: 15q25.3.
Variant type: single nucleotide variant.
Coding change: c.442G>C on transcript NM_020778.5 (MANE Select); coding-DNA position 442, G replaced by C.
Protein change: p.Ala148Pro; replaces alanine 148 with proline.
Molecular consequence: missense variant.
Genome position (GRCh38, 1-based): chr15:84,839,721, G>C. VCF-style: chr15-84839721-G-C. GRCh37 (hg19) VCF-style: chr15-85382952-G-C.
Other names: short protein forms A148P.
Identifiers: ClinVar variation 3227436 (VCV003227436.1), dbSNP rs1370153077, ClinGen allele CA393372481.
Genomic context (GRCh38, chr15:84,839,721, plus strand): 5'-CCCAGGAGGGGAGAGGTGGCACCTCCCGCTCCTACCTCTAGGTGTCGAGAAGAAGATGCC[G>C]CCATCTACCAGGCCTCTGCCCAGAACAGCAAGGGCATTGTGTCCTGCTCAGGGGTCCTGG-3'
Protein context (NP_065829.4, residues 138-158): QLYRCREEDA[Ala148Pro]IYQASAQNSK